The following is an entry in ClinVar:

NM_000687.4(AHCY):c.558+4_558+27del

Gene: AHCY (adenosylhomocysteinase; minus strand). Cytogenetic location: 20q11.22.
Variant type: Deletion.
Coding change: c.558+4_558+27del on transcript NM_000687.4 (MANE Select); bases 4 to 27 of the intron after coding-DNA position 558, 24 bases deleted (AGCCGAGGGGCAGTGACAGCTCCC).
Molecular consequence: intron variant.
Genome position (GRCh38, 1-based): chr20:34,291,392-34,291,415, GGGAGCTGTCACTGCCCCTCGGCT deleted on the plus strand (AGCCGAGGGGCAGTGACAGCTCCC on the coding strand, the reverse complement: AHCY is on the minus strand). VCF-style (leftmost placement, unchanged base first): chr20-34291391-CGGGAGCTGTCACTGCCCCTCGGCT-C. GRCh37 (hg19) VCF-style: chr20-32879197-CGGGAGCTGTCACTGCCCCTCGGCT-C.
Other names: c.474+4_474+27del (NM_001161766.2, NM_001322085.2, NM_001322084.2); c.558+4_558+27del (NM_001362750.2); c.564+4_564+27del (NM_001322086.2).
Identifiers: ClinVar variation 2912156 (VCV002912156.3), dbSNP rs2515180000, ClinGen allele CA2739277145.
Genomic context (GRCh38, chr20:34,291,391, plus strand): 5'-ATCTCAGCCTTCCTGGGCACTCTTCTTCAGAGGCCTCGTCCTGAGCTGCAGCCACTGTAG[CGGGAGCTGTCACTGCCCCTCGGCT>C]CACCTTGGTGACGGAGTCATTGACATTGATGGCAGGCACCTTGAGGATCCCATTGGCCAT-3'

ClinVar aggregate classification (germline): Uncertain significance (1 of 4 stars; one submission).

Conditions:
Hypermethioninemia with deficiency of S-adenosylhomocysteine hydrolase. Identifiers: Orphanet 88618, MedGen C3151058, MONDO:0013404, OMIM 613752.

Submission:

Labcorp Genetics (formerly Invitae), Labcorp
Classification: Uncertain significance for Hypermethioninemia with deficiency of S-adenosylhomocysteine hydrolase. Last evaluated: 2025-12-24. Review status: criteria provided, single submitter. Criteria: Invitae Variant Classification Sherloc (09022015). Collection method: clinical testing. Allele origin: germline.
Comment: This sequence change falls in intron 5 of the AHCY gene. It does not directly change the encoded amino acid sequence of the AHCY protein. It affects a nucleotide within the consensus splice site. This variant is not present in population databases (gnomAD no frequency). This variant has not been reported in the literature in individuals affected with AHCY-related conditions. ClinVar contains an entry for this variant (Variation ID: 2912156). Variants that disrupt the consensus splice site are a relatively common cause of aberrant splicing (PMID: 17576681, 9536098). In summary, the available evidence is currently insufficient to determine the role of this variant in disease. Therefore, it has been classified as a Variant of Uncertain Significance.

Literature cited by the submitters: PubMed 17576681; PubMed 9536098.